The following is an entry in ClinVar:

ClinVar aggregate classification (germline): Uncertain significance (1 of 4 stars; one submission).

Conditions:
Lymphoproliferative syndrome 1 (LPFS1). Identifiers: Orphanet 238505, Orphanet 538963, MedGen C3552634, MONDO:0013081, OMIM 613011.

Allele frequency attached by ClinVar (database versions not stated): gnomAD exomes below 0.00001; gnomAD 0.00001.

Submission:

Labcorp Genetics (formerly Invitae), Labcorp
Classification: Uncertain significance for Lymphoproliferative syndrome 1. Last evaluated: 2021-12-06. Review status: criteria provided, single submitter. Criteria: Invitae Variant Classification Sherloc (09022015). Collection method: clinical testing. Allele origin: germline.
Comment: In summary, the available evidence is currently insufficient to determine the role of this variant in disease. Therefore, it has been classified as a Variant of Uncertain Significance. Advanced modeling of protein sequence and biophysical properties (such as structural, functional, and spatial information, amino acid conservation, physicochemical variation, residue mobility, and thermodynamic stability) performed at Invitae indicates that this missense variant is not expected to disrupt ITK protein function. This variant has not been reported in the literature in individuals affected with ITK-related conditions. This variant is not present in population databases (gnomAD no frequency). This sequence change replaces leucine, which is neutral and non-polar, with valine, which is neutral and non-polar, at codon 226 of the ITK protein (p.Leu226Val).

NM_005546.4(ITK):c.676C>G (p.Leu226Val)

Gene: ITK (IL2 inducible T cell kinase; plus strand). Cytogenetic location: 5q33.3.
Variant type: single nucleotide variant.
Coding change: c.676C>G on transcript NM_005546.4 (MANE Select); coding-DNA position 676, C replaced by G.
Protein change: p.Leu226Val; replaces leucine 226 with valine.
Molecular consequence: missense variant.
Genome position (GRCh38, 1-based): chr5:157,228,324, C>G. VCF-style: chr5-157228324-C-G. GRCh37 (hg19) VCF-style: chr5-156655334-C-G.
Other names: short protein forms L226V.
Identifiers: ClinVar variation 1447648 (VCV001447648.4), dbSNP rs1754578642, ClinGen allele CA361954596.
Genomic context (GRCh38, chr5:157,228,324, plus strand): 5'-GTAAGTCTAAACATTAATTTTCCTTTTAACAGGCATGAAGGATATGTACCAAGCAGTTAT[C>G]TGGTGGAAAAATCTCCAAATAATCTGGAAACCTATGAGTAAGATATTTTATTTGTTTTTG-3'
Protein context (NP_005537.3, residues 216-236): GHEGYVPSSY[Leu226Val]VEKSPNNLET